The following is an entry in ClinVar:

NM_020982.4(CLDN9):c.107T>C (p.Ile36Thr)

Gene: CLDN9 (claudin 9; plus strand). Cytogenetic location: 16p13.3.
Variant type: single nucleotide variant.
Coding change: c.107T>C on transcript NM_020982.4 (MANE Select); coding-DNA position 107, T replaced by C.
Protein change: p.Ile36Thr; replaces isoleucine 36 with threonine.
Molecular consequence: missense variant.
Genome position (GRCh38, 1-based): chr16:3,013,469, T>C. VCF-style: chr16-3013469-T-C. GRCh37 (hg19) VCF-style: chr16-3063470-T-C.
Other names: short protein forms I36T.
Identifiers: ClinVar variation 4979044 (VCV004979044.1).
Genomic context (GRCh38, chr16:3,013,469, plus strand): 5'-TGGGCTGGCTGGGGACCCTGGTGTCCTGCGCCCTGCCCCTGTGGAAGGTGACCGCCTTCA[T>C]CGGCAACAGCATCGTGGTGGCCCAGGTGGTGTGGGAGGGCCTGTGGATGTCCTGCGTGGT-3'
Protein context (NP_066192.1, residues 26-46): ALPLWKVTAF[Ile36Thr]GNSIVVAQVV

ClinVar aggregate classification (germline): Uncertain significance (1 of 4 stars; one submission).

Conditions:
CLDN9-related disorder. Also called: CLDN9-related condition.

Submission:

PreventionGenetics, part of Exact Sciences
Classification: Uncertain significance for CLDN9-related condition. Last evaluated: 2025-05-03. Review status: criteria provided, single submitter. Criteria: ACMG Guidelines, 2015. Collection method: clinical testing. Allele origin: germline.
Comment: The CLDN9 c.107T>C variant is predicted to result in the amino acid substitution p.Ile36Thr. To our knowledge, this variant has not been reported in the literature. This variant is reported in 0.031% of alleles in individuals of Latino descent in gnomAD. At this time, the clinical significance of this variant is uncertain due to the absence of conclusive functional and genetic evidence.